The following is an entry in ClinVar:

ClinVar aggregate classification (germline): Uncertain significance (1 of 4 stars; one submission).

Conditions:
Hereditary cancer-predisposing syndrome. Also called: Neoplastic Syndromes, Hereditary; Hereditary Cancer Syndrome; Hereditary neoplastic syndrome; Tumor predisposition. Identifiers: Orphanet 140162, MedGen C0027672, MeSH D009386, MONDO:0015356.

Submission:

Ambry Genetics
Classification: Uncertain significance for Hereditary cancer-predisposing syndrome. Last evaluated: 2023-05-14. Review status: criteria provided, single submitter. Criteria: Ambry Variant Classification Scheme 2023. Collection method: clinical testing. Allele origin: germline.
Comment: The p.D21H variant (also known as c.61G>C), located in coding exon 1 of the RAD50 gene, results from a G to C substitution at nucleotide position 61. The aspartic acid at codon 21 is replaced by histidine, an amino acid with similar properties. This amino acid position is conserved. In addition, this alteration is predicted to be tolerated by in silico analysis. Since supporting evidence is limited at this time, the clinical significance of this alteration remains unclear.

NM_005732.4(RAD50):c.61G>C (p.Asp21His)

Gene: RAD50 (RAD50 double strand break repair protein; plus strand). Cytogenetic location: 5q31.1.
Variant type: single nucleotide variant.
Coding change: c.61G>C on transcript NM_005732.4 (MANE Select); coding-DNA position 61, G replaced by C.
Protein change: p.Asp21His; replaces aspartic acid 21 with histidine.
Molecular consequence: missense variant.
Genome position (GRCh38, 1-based): chr5:132,557,385, G>C. VCF-style: chr5-132557385-G-C. GRCh37 (hg19) VCF-style: chr5-131893077-G-C.
Other names: short protein forms D21H.
Identifiers: ClinVar variation 2565947 (VCV002565947.2), dbSNP rs1750021195, ClinGen allele CA360951224.